The following is an entry in ClinVar:

NM_000138.5(FBN1):c.8337A>C (p.Glu2779Asp)

Gene: FBN1 (fibrillin 1; minus strand). Cytogenetic location: 15q21.1.
Variant type: single nucleotide variant.
Coding change: c.8337A>C on transcript NM_000138.5 (MANE Select); coding-DNA position 8337, A replaced by C.
Protein change: p.Glu2779Asp; replaces glutamic acid 2779 with aspartic acid.
Molecular consequence: missense variant.
Genome position (GRCh38, 1-based): chr15:48,411,269, T>G on the plus strand (A>C on the coding strand, the complement: FBN1 is on the minus strand). VCF-style: chr15-48411269-T-G. GRCh37 (hg19) VCF-style: chr15-48703466-T-G.
Other names: c.8337A>C, p.Glu2779Asp (NM_001406716.1); short protein forms E2779D.
Identifiers: ClinVar variation 3069871 (VCV003069871.1), dbSNP rs2505371430, ClinGen allele CA392319530.

ClinVar aggregate classification (germline): Uncertain significance (1 of 4 stars; one submission).

Conditions:
Marfan syndrome (MFS). Also called: MARFAN SYNDROME, TYPE I; Marfan syndrome type 1; Marfan's syndrome; Marfan syndrome, classic; FBN1-Related Marfan Syndrome. Identifiers: Orphanet 284963, Orphanet 558, MedGen C0024796, MONDO:0007947, OMIM 154700.

Submission:

All of Us Research Program, National Institutes of Health
Classification: Uncertain significance for Marfan syndrome. Last evaluated: 2023-03-04. Review status: criteria provided, single submitter. Criteria: ACMG Guidelines, 2015. Collection method: clinical testing. Allele origin: germline. Inheritance: Autosomal dominant inheritance. Observed: 1 variant allele, 1 heterozygote.
Comment: This study involves interpretation of variants in research participants for the purpose of population health screening. Participant phenotype was not available at the time of variant classification. Additional details can be found in publication PMID: 35346344, PMCID: PMC8962531